The following is an entry in ClinVar:

ClinVar aggregate classification (germline): Uncertain significance. Review status: criteria provided, multiple submitters, no conflicts (2 of 4 stars). 2 submissions from 2 submitters: Uncertain significance (2). Last evaluated 2025-05-12.

Conditions:
Dyskeratosis congenita. Identifiers: Orphanet 1775, MedGen C0265965, MONDO:0015780.
Cerebroretinal microangiopathy with calcifications and cysts 1 (CRMCC1). Identifiers: Orphanet 313838, MedGen C4552029, MONDO:0024564, OMIM 612199.

Allele frequency attached by ClinVar (database versions not stated): TOPMed 0.00001; ExAC 0.00001; gnomAD 0.00001; gnomAD exomes 0.00001 and 0.00002; ESP Exome Variant Server 0.00008.
gnomAD v4.1: 10 of 1,613,950 alleles (0.00062%); highest among the groups gnomAD compares: East Asian, 0.0022%; no homozygotes.

Submissions (2):

Labcorp Genetics (formerly Invitae), Labcorp
Classification: Uncertain significance for Dyskeratosis congenita. Last evaluated: 2025-05-12. Review status: criteria provided, single submitter. Criteria: Invitae Variant Classification Sherloc (09022015). Collection method: clinical testing. Allele origin: germline.
Comment: This sequence change replaces arginine, which is basic and polar, with glutamine, which is neutral and polar, at codon 624 of the CTC1 protein (p.Arg624Gln). This variant is present in population databases (rs377423237, gnomAD 0.003%). This variant has not been reported in the literature in individuals affected with CTC1-related conditions. ClinVar contains an entry for this variant (Variation ID: 1041414). Invitae Evidence Modeling of protein sequence and biophysical properties (such as structural, functional, and spatial information, amino acid conservation, physicochemical variation, residue mobility, and thermodynamic stability) indicates that this missense variant is not expected to disrupt CTC1 protein function with a negative predictive value of 80%. In summary, the available evidence is currently insufficient to determine the role of this variant in disease. Therefore, it has been classified as a Variant of Uncertain Significance.

Neuberg Centre For Genomic Medicine, NCGM
Classification: Uncertain significance for Cerebroretinal microangiopathy with calcifications and cysts 1. Review status: criteria provided, single submitter. Criteria: ACMG Guidelines, 2015. Collection method: clinical testing. Allele origin: germline. Inheritance: Autosomal recessive inheritance. Affected: yes.

NM_025099.6(CTC1):c.1871G>A (p.Arg624Gln)

Gene: CTC1 (CST telomere replication complex component 1; minus strand). Cytogenetic location: 17p13.1.
Variant type: single nucleotide variant.
Coding change: c.1871G>A on transcript NM_025099.6 (MANE Select); coding-DNA position 1871, G replaced by A.
Protein change: p.Arg624Gln; replaces arginine 624 with glutamine.
Molecular consequence: missense variant. On other transcripts: non-coding transcript variant (1).
Genome position (GRCh38, 1-based): chr17:8,232,980, C>T on the plus strand (G>A on the coding strand, the complement: CTC1 is on the minus strand). VCF-style: chr17-8232980-C-T. GRCh37 (hg19) VCF-style: chr17-8136298-C-T.
Other names: short protein forms R624Q.
Identifiers: ClinVar variation 1041414 (VCV001041414.9), dbSNP rs377423237, ClinGen allele CA8372242.
Genomic context (GRCh38, chr17:8,232,980, plus strand): 5'-TCACTGAGGGGTTGAGAGTGCTTGGCCAGGAGCAGGCAGGGCAGGGAACCACTTTGGTCC[C>T]GAAGTTGCAGACAACCTTTATGAGATGAAGCCACCAGAACCCCAAGTAAAACCTGCAAGA-3'
Protein context (NP_079375.3, residues 614-634): ASSHKGCLQL[Arg624Gln]DQSGSLPCLL